The following is an entry in ClinVar:

ClinVar aggregate classification (germline): Uncertain significance (1 of 4 stars; one submission).

Conditions:
Autosomal recessive limb-girdle muscular dystrophy type 2J (LGMDR10). Also called: Limb-girdle muscular dystrophy, type 2J; MUSCULAR DYSTROPHY, LIMB-GIRDLE, AUTOSOMAL RECESSIVE 10. Identifiers: Orphanet 140922, MedGen C1837342, MONDO:0012127, OMIM 608807.
Dilated cardiomyopathy 1G (CMD1G). Identifiers: Orphanet 154, MedGen C1858763, MONDO:0011400, OMIM 604145.

Submission:

Labcorp Genetics (formerly Invitae), Labcorp
Classification: Uncertain significance for Dilated cardiomyopathy 1G; Autosomal recessive limb-girdle muscular dystrophy type 2J. Last evaluated: 2024-12-20. Review status: criteria provided, single submitter. Criteria: Invitae Variant Classification Sherloc (09022015). Collection method: clinical testing. Allele origin: germline.
Comment: This sequence change replaces glutamine, which is neutral and polar, with arginine, which is basic and polar, at codon 35210 of the TTN protein (p.Gln35210Arg). This variant is not present in population databases (gnomAD no frequency). This variant has not been reported in the literature in individuals affected with TTN-related conditions. Experimental studies and prediction algorithms are not available or were not evaluated, and the functional significance of this variant is currently unknown. This variant is located in the M band of TTN (PMID: 25589632). Non-truncating variants in this region may be relevant for neuromuscular disorders, but have not been definitively shown to cause cardiomyopathy (PMID: 23975875). In summary, the available evidence is currently insufficient to determine the role of this variant in disease. Therefore, it has been classified as a Variant of Uncertain Significance.

Literature cited by the submitters: PubMed 25589632; PubMed 23975875.

NM_001267550.2(TTN):c.105629A>G (p.Gln35210Arg)

Genes: TTN (titin; minus strand), TTN-AS1 (TTN antisense RNA 1; plus strand), LOC129935183 (ATAC-STARR-seq lymphoblastoid active region 16808; plus strand). Cytogenetic location: 2q31.2.
Variant type: single nucleotide variant.
Coding change: c.105629A>G on transcript NM_001267550.2 (MANE Select); coding-DNA position 105629, A replaced by G.
Protein change: p.Gln35210Arg; replaces glutamine 35210 with arginine.
Molecular consequence: missense variant.
Genome position (GRCh38, 1-based): chr2:178,530,986, T>C on the plus strand (A>G on the coding strand, the complement: TTN is on the minus strand). VCF-style: chr2-178530986-T-C. GRCh37 (hg19) VCF-style: chr2-179395713-T-C.
Other names: c.100706A>G, p.Gln33569Arg (NM_001256850.1); c.78434A>G, p.Gln26145Arg (NM_003319.4); c.97925A>G, p.Gln32642Arg (NM_133378.4); c.78809A>G, p.Gln26270Arg (NM_133432.3); c.79010A>G, p.Gln26337Arg (NM_133437.4); short protein forms Q26145R, Q26270R, Q26337R, Q32642R, Q33569R, Q35210R.
Identifiers: ClinVar variation 3761861 (VCV003761861.2).
Genomic context (GRCh38, chr2:178,530,986, plus strand): 5'-GATGTCACAGCCTTTTCAGTTACCCTGGCCTTTTGAATAGTCAGAGTGAACTCTGCTTCT[T>C]GTTTCCCTTCACTGTTTTCTACCACCACGCTGTAATTGCCCTCATCGGAAGCCTGGACTG-3'
Protein context (NP_001254479.2, residues 35200-35220): SVVVENSEGK[Gln35210Arg]EAEFTLTIQK